The following is an entry in ClinVar:

ClinVar aggregate classification (germline): Conflicting classifications of pathogenicity. Review status: criteria provided, conflicting classifications (1 of 4 stars). 8 submissions from 8 submitters: Uncertain significance (1); Benign (1); Likely benign (6). Last evaluated 2025-07-02.

Conditions:
Hereditary cancer-predisposing syndrome. Also called: Hereditary neoplastic syndrome; Neoplastic Syndromes, Hereditary; Tumor predisposition; Hereditary Cancer Syndrome. Identifiers: Orphanet 140162, MedGen C0027672, MeSH D009386, MONDO:0015356.
Tuberous sclerosis syndrome (TSC). Also called: Tuberous Sclerosis Complex; Tuberous sclerosis. Identifiers: Orphanet 805, MedGen C0041341, MONDO:0001734.
Tuberous sclerosis 2 (TSC2). Identifiers: Orphanet 805, MedGen C1860707, MONDO:0013199, OMIM 613254.

Allele frequency attached by ClinVar (database versions not stated): TOPMed below 0.00001; gnomAD 0.00001; ExAC 0.00003.
gnomAD v4.1: 23 of 1,613,208 alleles (0.0014%); highest among the groups gnomAD compares: South Asian, 0.014%; no homozygotes.

Submissions (8):

Labcorp Genetics (formerly Invitae), Labcorp
Classification: Benign for Tuberous sclerosis 2. Last evaluated: 2025-07-02. Review status: criteria provided, single submitter. Criteria: Invitae Variant Classification Sherloc (09022015). Collection method: clinical testing. Allele origin: germline.

Revvity Omics, Revvity
Classification: Uncertain significance for Tuberous sclerosis 2. Last evaluated: 2024-11-15. Review status: criteria provided, single submitter. Criteria: ACMG Guidelines, 2015. Collection method: clinical testing. Allele origin: germline.

Myriad Genetics, Inc.
Classification: Likely benign for Tuberous sclerosis 2. Last evaluated: 2024-08-12. Review status: criteria provided, single submitter. Criteria: Myriad Autosomal Dominant, Autosomal Recessive and X-Linked Classification Criteria (2023). Collection method: clinical testing. Allele origin: unknown.
Comment: This variant is considered likely benign. This variant has been observed at a population frequency that is significantly greater than expected given the associated disease prevalence and penetrance.

All of Us Research Program, National Institutes of Health
Classification: Likely benign for Tuberous sclerosis syndrome. Last evaluated: 2023-05-30. Review status: criteria provided, single submitter. Criteria: ACMG Guidelines, 2015. Collection method: clinical testing. Allele origin: germline. Inheritance: Autosomal dominant inheritance. Observed: 2 variant alleles, 2 heterozygotes.
Comment: This study involves interpretation of variants in research participants for the purpose of population health screening. Participant phenotype was not available at the time of variant classification. Additional details can be found in publication PMID: 35346344, PMCID: PMC8962531

Color Diagnostics, LLC DBA Color Health
Classification: Likely benign for Tuberous sclerosis syndrome. Last evaluated: 2022-09-22. Review status: criteria provided, single submitter. Criteria: ACMG Guidelines, 2015. Collection method: clinical testing. Allele origin: germline.

Genome-Nilou Lab
Classification: Likely benign for Tuberous sclerosis 2. Last evaluated: 2021-11-07. Review status: criteria provided, single submitter. Criteria: ACMG Guidelines, 2015. Collection method: clinical testing. Allele origin: germline. Affected: no.

Ambry Genetics
Classification: Likely benign for Hereditary cancer-predisposing syndrome. Last evaluated: 2021-08-09. Review status: criteria provided, single submitter. Criteria: Ambry Variant Classification Scheme 2023. Collection method: clinical testing. Allele origin: germline.

GeneDx
Classification: Likely benign. Last evaluated: 2019-01-04. Review status: criteria provided, single submitter. Criteria: GeneDx Variant Classification Process June 2021. Collection method: clinical testing. Allele origin: germline. Affected: yes.

NM_000548.5(TSC2):c.1945A>G (p.Met649Val)

Gene: TSC2 (TSC complex subunit 2; plus strand). Cytogenetic location: 16p13.3.
Variant type: single nucleotide variant.
Coding change: c.1945A>G on transcript NM_000548.5 (MANE Select); coding-DNA position 1945, A replaced by G.
Protein change: p.Met649Val; replaces methionine 649 with valine.
Molecular consequence: missense variant.
Genome position (GRCh38, 1-based): chr16:2,071,615, A>G. VCF-style: chr16-2071615-A-G. GRCh37 (hg19) VCF-style: chr16-2121616-A-G.
Other names: c.1945A>G, p.Met649Val (NM_001077183.3, NM_001114382.3, NM_001363528.2 and 3 more transcripts); c.1834A>G, p.Met612Val (NM_001318827.2); c.1798A>G, p.Met600Val (NM_001318829.2); c.1345A>G, p.Met449Val (NM_001318831.2); c.1978A>G, p.Met660Val (NM_001318832.2); short protein forms M649V, M449V, M660V, M600V, M612V.
Identifiers: ClinVar variation 467907 (VCV000467907.25), dbSNP rs762331610, ClinGen allele CA034654.